The following is an entry in ClinVar:

ClinVar aggregate classification (germline): Pathogenic (1 of 4 stars; one submission).

Conditions:
Neurofibromatosis, type 1 (NF1). Also called: VON RECKLINGHAUSEN DISEASE; Peripheral type neurofibromatosis; NEUROFIBROMATOSIS, TYPE I, SOMATIC; Neurofibromatosis, type I. Identifiers: Orphanet 636, MedGen C0027831, MONDO:0018975, OMIM 162200. Disease mechanism: loss of function.

Submission:

Labcorp Genetics (formerly Invitae), Labcorp
Classification: Pathogenic for Neurofibromatosis, type 1. Last evaluated: 2020-07-16. Review status: criteria provided, single submitter. Criteria: Invitae Variant Classification Sherloc (09022015). Collection method: clinical testing. Allele origin: germline.
Comment: This variant is an out-of-frame deletion of the genomic region encompassing exon(s) 6-35 of the NF1 gene. This is expected to create a premature translational stop signal and result in an absent or disrupted protein product. This variant has not been reported in the literature in individuals with NF1-related conditions. Loss-of-function variants in NF1 are known to be pathogenic (PMID: 10712197, 23913538). For these reasons, this variant has been classified as Pathogenic.

Literature cited by the submitters: PubMed 10712197; PubMed 23913538.

NC_000017.10:g.(?_29508430)_(29592367_?)del

Gene: NF1 (neurofibromin 1; plus strand). Cytogenetic location: 17q11.2.
Variant type: Deletion.
Identifiers: ClinVar variation 1070265 (VCV001070265.1).